The following is an entry in ClinVar:

Conditions:
Arteriohepatic dysplasia. Also called: Alagille Syndrome. Identifiers: Orphanet 52, MedGen C0085280, MeSH D016738, MONDO:0007318.

Submission:

Gilbert/Spinner Lab, Children's Hospital of Philadelphia
No classification provided (evidence only). Condition: Alagille syndrome. Review status: no classification provided. Collection method: research. Allele origin: not applicable. Functional consequence: functionally_abnormal.
ClinVar note: "not provided" was previously submitted as the classification for the variant. However, the classification appeared to be based only on an observation of functional data so it was converted to no classification on 2025-07-30.

NM_000214.3(JAG1):c.916T>C (p.Cys306Arg)

Gene: JAG1 (jagged canonical Notch ligand 1; minus strand). Cytogenetic location: 20p12.2.
Variant type: single nucleotide variant.
Coding change: c.916T>C on transcript NM_000214.3 (MANE Select); coding-DNA position 916, T replaced by C.
Protein change: p.Cys306Arg; replaces cysteine 306 with arginine.
Molecular consequence: missense variant.
Genome position (GRCh38, 1-based): chr20:10,652,221, A>G on the plus strand (T>C on the coding strand, the complement: JAG1 is on the minus strand). VCF-style: chr20-10652221-A-G. GRCh37 (hg19) VCF-style: chr20-10632869-A-G.
Other names: short protein forms C306R.
Identifiers: ClinVar variation 3573186 (VCV003573186.2).